The following is an entry in ClinVar:

NM_016026.4(RDH11):c.220G>C (p.Asp74His)

Genes: GPHN (gephyrin; plus strand), RDH11 (retinol dehydrogenase 11; minus strand). Cytogenetic location: 14q24.1.
Variant type: single nucleotide variant.
Coding change: c.220G>C on transcript NM_016026.4 (MANE Select); coding-DNA position 220, G replaced by C.
Protein change: p.Asp74His; replaces aspartic acid 74 with histidine.
Molecular consequence: missense variant.
Genome position (GRCh38, 1-based): chr14:67,692,567, C>G on the plus strand (G>C on the coding strand, the complement: RDH11 is on the minus strand). VCF-style: chr14-67692567-C-G. GRCh37 (hg19) VCF-style: chr14-68159284-C-G.
Other names: c.220G>C, p.Asp74His (NM_001252650.2); short protein forms D74H.
Identifiers: ClinVar variation 1523004 (VCV001523004.9), dbSNP rs1232878026, ClinGen allele CA390136842.

ClinVar aggregate classification (germline): Uncertain significance. Review status: criteria provided, multiple submitters, no conflicts (2 of 4 stars). 2 submissions from 2 submitters: Uncertain significance (2). Last evaluated 2022-11-08.

gnomAD v4.1: 8 of 1,602,444 alleles (0.0005%); highest among the groups gnomAD compares: Non-Finnish European, 0.00068%; no homozygotes.

Submissions (2):

Labcorp Genetics (formerly Invitae), Labcorp
Classification: Uncertain significance. Last evaluated: 2022-11-08. Review status: criteria provided, single submitter. Criteria: Invitae Variant Classification Sherloc (09022015). Collection method: clinical testing. Allele origin: germline.
Comment: In summary, the available evidence is currently insufficient to determine the role of this variant in disease. Therefore, it has been classified as a Variant of Uncertain Significance. Algorithms developed to predict the effect of missense changes on protein structure and function are either unavailable or do not agree on the potential impact of this missense change (SIFT: "Tolerated"; PolyPhen-2: "Probably Damaging"; Align-GVGD: "Class C0"). ClinVar contains an entry for this variant (Variation ID: 1523004). This variant has not been reported in the literature in individuals affected with RDH11-related conditions. This variant is not present in population databases (gnomAD no frequency). This sequence change replaces aspartic acid, which is acidic and polar, with histidine, which is basic and polar, at codon 74 of the RDH11 protein (p.Asp74His).

Blueprint Genetics
Classification: Uncertain significance. Last evaluated: 2020-11-27. Review status: criteria provided, single submitter. Criteria: ACMG Guidelines, 2015. Collection method: clinical testing. Allele origin: germline.